The following is an entry in ClinVar:

NM_002474.3(MYH11):c.5683C>A (p.Arg1895Ser)

Genes: MYH11 (myosin heavy chain 11; minus strand), NDE1 (nudE neurodevelopment protein 1; plus strand). Cytogenetic location: 16p13.11.
Variant type: single nucleotide variant.
Coding change: c.5683C>A on transcript NM_002474.3 (MANE Select); coding-DNA position 5683, C replaced by A.
Protein change: p.Arg1895Ser; replaces arginine 1895 with serine.
Molecular consequence: missense variant. On other transcripts: intron variant (2).
Genome position (GRCh38, 1-based): chr16:15,715,012, G>T on the plus strand (C>A on the coding strand, the complement: MYH11 is on the minus strand). VCF-style: chr16-15715012-G-T. GRCh37 (hg19) VCF-style: chr16-15808869-G-T.
Other names: c.5704C>A, p.Arg1902Ser (NM_001040113.2, NM_001040114.2); c.5683C>A, p.Arg1895Ser (NM_022844.3); c.948-9179G>T (NM_001143979.2, NM_017668.3); short protein forms R1895S, R1902S.
Identifiers: ClinVar variation 920793 (VCV000920793.5), dbSNP rs992494235, ClinGen allele CA394846832.

ClinVar aggregate classification (germline): Uncertain significance (1 of 4 stars; one submission).

Conditions:
Familial thoracic aortic aneurysm and aortic dissection (TAAD). Also called: Thoracic aortic aneurysms and dissections. Identifiers: Orphanet 91387, MedGen C4707243, MONDO:0019625.

Submission:

Color Diagnostics, LLC DBA Color Health
Classification: Uncertain significance for Familial thoracic aortic aneurysm and aortic dissection. Last evaluated: 2024-03-06. Review status: criteria provided, single submitter. Criteria: ACMG Guidelines, 2015. Collection method: clinical testing. Allele origin: germline.
Comment: This missense variant replaces arginine with serine at codon 1902 of the MYH11 protein. Computational prediction is inconclusive regarding the impact of this variant on protein structure and function (internally defined REVEL score threshold 0.5 < inconclusive < 0.7, PMID: 27666373). To our knowledge, functional studies have not been reported for this variant. This variant has not been reported in individuals affected with MYH11-related disorders in the literature. This variant has not been identified in the general population by the Genome Aggregation Database (gnomAD). The available evidence is insufficient to determine the role of this variant in disease conclusively. Therefore, this variant is classified as a Variant of Uncertain Significance.